The following is an entry in ClinVar:

ClinVar aggregate classification (germline): Benign/Likely benign. Review status: criteria provided, multiple submitters, no conflicts (2 of 4 stars). 6 submissions from 6 submitters: Benign (1); Likely benign (5). Last evaluated 2026-01-25.

Allele frequency attached by ClinVar (database versions not stated): gnomAD 0.00168 and 0.00157; ESP Exome Variant Server 0.00169; TOPMed 0.00178; gnomAD exomes 0.00022 and 0.00053; ExAC 0.00073; 1000 Genomes Project 0.00160; 1000 Genomes Project 30x 0.00187.
gnomAD v4.1: 569 of 1,614,000 alleles (0.035%); highest among the groups gnomAD compares: African/African-American, 0.62%; 1 homozygote.

Submissions (6):

Labcorp Genetics (formerly Invitae), Labcorp
Classification: Benign. Last evaluated: 2026-01-25. Review status: criteria provided, single submitter. Criteria: Invitae Variant Classification Sherloc (09022015). Collection method: clinical testing. Allele origin: germline.

Mayo Clinic Laboratories, Mayo Clinic
Classification: Likely benign. Last evaluated: 2025-03-24. Review status: criteria provided, single submitter. Criteria: ACMG Guidelines, 2015. Collection method: clinical testing. Allele origin: germline. Observed: 1 variant allele.
Comment: BS1, BP4, BP7

Blueprint Genetics
Classification: Likely benign. Last evaluated: 2024-10-17. Review status: criteria provided, single submitter. Criteria: ACMG Guidelines, 2015. Collection method: clinical testing. Allele origin: germline.

CeGaT Center for Human Genetics Tuebingen
Classification: Likely benign. Last evaluated: 2024-10-01. Review status: criteria provided, single submitter. Criteria: CeGaT Center For Human Genetics Tuebingen Variant Classification Criteria Version 2. Collection method: clinical testing. Allele origin: germline. Affected: yes. Observed: 2 variant alleles.
Comment: EIF2B5: BP4, BP7

Breakthrough Genomics
Classification: Likely benign. Review status: criteria provided, single submitter. Criteria: ACMG Guidelines, 2015. Collection method: not provided. Allele origin: germline. Inheritance: Autosomal recessive inheritance. Affected: yes.

PreventionGenetics, part of Exact Sciences
Classification: Likely benign. Review status: criteria provided, single submitter. Criteria: ACMG Guidelines, 2015. Collection method: clinical testing. Allele origin: germline.

NM_003907.3(EIF2B5):c.1614G>A (p.Pro538=)

Gene: EIF2B5 (eukaryotic translation initiation factor 2B subunit epsilon; plus strand). Cytogenetic location: 3q27.1.
Variant type: single nucleotide variant.
Coding change: c.1614G>A on transcript NM_003907.3 (MANE Select); coding-DNA position 1614, G replaced by A.
Protein change: p.Pro538=; no amino-acid change (proline 538 retained).
Molecular consequence: synonymous variant.
Genome position (GRCh38, 1-based): chr3:184,142,846, G>A. VCF-style: chr3-184142846-G-A. GRCh37 (hg19) VCF-style: chr3-183860634-G-A.
Other names: p.Pro538=.
Identifiers: ClinVar variation 259194 (VCV000259194.37), dbSNP rs142361539, ClinGen allele CA2726754.
Genomic context (GRCh38, chr3:184,142,846, plus strand): 5'-GATCAACATGGAAGAAGAGAGTGAAAGTGAAAGTGAGCAAAGTATGGATTCTGAGGAGCC[G>A]GACAGCCGGGGAGGCTCCCCTCAGATGGATGACATCAAAGGTGAGTGGCAGGGGAGAAAT-3'
Protein context (NP_003898.2, residues 528-548): ESEQSMDSEE[Pro538=]DSRGGSPQMD